The following is an entry in ClinVar:

NM_020461.4(TUBGCP6):c.2810C>T (p.Ala937Val)

Gene: TUBGCP6 (tubulin gamma complex component 6; minus strand). Cytogenetic location: 22q13.33.
Variant type: single nucleotide variant.
Coding change: c.2810C>T on transcript NM_020461.4 (MANE Select); coding-DNA position 2810, C replaced by T.
Protein change: p.Ala937Val; replaces alanine 937 with valine.
Molecular consequence: missense variant.
Genome position (GRCh38, 1-based): chr22:50,221,549, G>A on the plus strand (C>T on the coding strand, the complement: TUBGCP6 is on the minus strand). VCF-style: chr22-50221549-G-A. GRCh37 (hg19) VCF-style: chr22-50659978-G-A.
Other names: short protein forms A937V.
Identifiers: ClinVar variation 1462597 (VCV001462597.6), dbSNP rs1484201802, ClinGen allele CA412186690.

ClinVar aggregate classification (germline): Uncertain significance (1 of 4 stars; one submission).

gnomAD v4.1: 21 of 1,586,904 alleles (0.0013%); highest among the groups gnomAD compares: Non-Finnish European, 0.0017%; no homozygotes.

Submission:

Labcorp Genetics (formerly Invitae), Labcorp
Classification: Uncertain significance. Last evaluated: 2021-05-16. Review status: criteria provided, single submitter. Criteria: Invitae Variant Classification Sherloc (09022015). Collection method: clinical testing. Allele origin: germline.
Comment: In summary, the available evidence is currently insufficient to determine the role of this variant in disease. Therefore, it has been classified as a Variant of Uncertain Significance. Algorithms developed to predict the effect of sequence changes on RNA splicing suggest that this variant may create or strengthen a splice site, but this prediction has not been confirmed by published transcriptional studies. Algorithms developed to predict the effect of missense changes on protein structure and function output the following: SIFT: "Tolerated"; PolyPhen-2: "Benign"; Align-GVGD: "Class C0". The valine amino acid residue is found in multiple mammalian species, suggesting that this missense change does not adversely affect protein function. These predictions have not been confirmed by published functional studies and their clinical significance is uncertain. This variant has not been reported in the literature in individuals with TUBGCP6-related conditions. This variant is not present in population databases (ExAC no frequency). This sequence change replaces alanine with valine at codon 937 of the TUBGCP6 protein (p.Ala937Val). The alanine residue is weakly conserved and there is a small physicochemical difference between alanine and valine.